The following is an entry in ClinVar:

NM_052867.4(NALCN):c.3354G>A (p.Val1118=)

Gene: NALCN (sodium leak channel, non-selective; minus strand). Cytogenetic location: 13q32.3.
Variant type: single nucleotide variant.
Coding change: c.3354G>A on transcript NM_052867.4 (MANE Select); coding-DNA position 3354, G replaced by A.
Protein change: p.Val1118=; no amino-acid change (valine 1118 retained).
Molecular consequence: synonymous variant.
Genome position (GRCh38, 1-based): chr13:101,089,882, C>T on the plus strand (G>A on the coding strand, the complement: NALCN is on the minus strand). VCF-style: chr13-101089882-C-T. GRCh37 (hg19) VCF-style: chr13-101742233-C-T.
Other names: c.3441G>A, p.Val1147= (NM_001350748.2); c.3354G>A, p.Val1118= (NM_001350749.2); c.3267G>A, p.Val1089= (NM_001350750.2, NM_001350751.2).
Identifiers: ClinVar variation 779156 (VCV000779156.9), dbSNP rs756595210, ClinGen allele CA7035419.

ClinVar aggregate classification (germline): Likely benign. Review status: criteria provided, single submitter (1 of 4 stars). 2 submissions from 2 submitters: Likely benign (1). 1 of the submissions does not count toward it. Last evaluated 2022-09-12.

Conditions:
NALCN-related disorder. Also called: NALCN-related condition; NALCN-related disorders.

Allele frequency attached by ClinVar (database versions not stated): ExAC 0.00001; gnomAD exomes 0.00001 and below 0.00001; TOPMed 0.00001.
gnomAD v4.1: 4 of 1,614,014 alleles (0.00025%); highest among the groups gnomAD compares: African/African-American, 0.0027%; no homozygotes.

Submissions (2):

Labcorp Genetics (formerly Invitae), Labcorp
Classification: Likely benign. Last evaluated: 2022-09-12. Review status: criteria provided, single submitter. Criteria: Invitae Variant Classification Sherloc (09022015). Collection method: clinical testing. Allele origin: germline.

PreventionGenetics, part of Exact Sciences
Classification: Likely benign for NALCN-related condition. Last evaluated: 2023-02-01. Review status: no assertion criteria provided. Collection method: clinical testing. Allele origin: germline. Not counted in ClinVar's aggregate classification.
Comment: This variant is classified as likely benign based on ACMG/AMP sequence variant interpretation guidelines (Richards et al. 2015 PMID: 25741868, with internal and published modifications).